The following is an entry in ClinVar:

ClinVar aggregate classification (germline): Uncertain significance. Review status: criteria provided, multiple submitters, no conflicts (2 of 4 stars). 2 submissions from 2 submitters: Uncertain significance (2). Last evaluated 2023-12-17.

Conditions:
Bethlem myopathy 1A. Also called: MYOPATHY, BENIGN CONGENITAL, WITH CONTRACTURES; Bethlem Muscular Dystrophy; Bethlem myopathy 1. Identifiers: Orphanet 610, MedGen CN029274, MONDO:0024530, OMIM 158810.
Inborn genetic diseases. Identifiers: MedGen C0950123, MeSH D030342.

gnomAD v4.1: 1 of 1,610,646 alleles (0.000062%); highest among the groups gnomAD compares: Admixed American, 0.0017%; no homozygotes.

Submissions (2):

Ambry Genetics
Classification: Uncertain significance for Inborn genetic diseases. Last evaluated: 2023-12-17. Review status: criteria provided, single submitter. Criteria: Ambry Variant Classification Scheme 2023. Collection method: clinical testing. Allele origin: germline.

Labcorp Genetics (formerly Invitae), Labcorp
Classification: Uncertain significance for Bethlem myopathy 1A. Last evaluated: 2022-08-23. Review status: criteria provided, single submitter. Criteria: Invitae Variant Classification Sherloc (09022015). Collection method: clinical testing. Allele origin: germline.
Comment: In summary, the available evidence is currently insufficient to determine the role of this variant in disease. Therefore, it has been classified as a Variant of Uncertain Significance. Advanced modeling of protein sequence and biophysical properties (such as structural, functional, and spatial information, amino acid conservation, physicochemical variation, residue mobility, and thermodynamic stability) performed at Invitae indicates that this missense variant is not expected to disrupt COL6A2 protein function. ClinVar contains an entry for this variant (Variation ID: 840111). This variant has not been reported in the literature in individuals affected with COL6A2-related conditions. This variant is not present in population databases (gnomAD no frequency). This sequence change replaces leucine, which is neutral and non-polar, with methionine, which is neutral and non-polar, at codon 220 of the COL6A2 protein (p.Leu220Met).

NM_001849.4(COL6A2):c.658C>A (p.Leu220Met)

Gene: COL6A2 (collagen type VI alpha 2 chain; plus strand). Cytogenetic location: 21q22.3.
Variant type: single nucleotide variant.
Coding change: c.658C>A on transcript NM_001849.4 (MANE Select); coding-DNA position 658, C replaced by A.
Protein change: p.Leu220Met; replaces leucine 220 with methionine.
Molecular consequence: missense variant.
Genome position (GRCh38, 1-based): chr21:46,112,521, C>A. VCF-style: chr21-46112521-C-A. GRCh37 (hg19) VCF-style: chr21-47532435-C-A.
Other names: c.658C>A, p.Leu220Met (NM_058174.3, NM_058175.3); short protein forms L220M.
Identifiers: ClinVar variation 840111 (VCV000840111.11), dbSNP rs773058625, ClinGen allele CA410522182.